The following is an entry in ClinVar:

NM_015404.4(WHRN):c.1199A>G (p.Asn400Ser)

Gene: WHRN (whirlin; minus strand). Cytogenetic location: 9q32.
Variant type: single nucleotide variant.
Coding change: c.1199A>G on transcript NM_015404.4 (MANE Select); coding-DNA position 1199, A replaced by G.
Protein change: p.Asn400Ser; replaces asparagine 400 with serine.
Molecular consequence: missense variant.
Genome position (GRCh38, 1-based): chr9:114,424,992, T>C on the plus strand (A>G on the coding strand, the complement: WHRN is on the minus strand). VCF-style: chr9-114424992-T-C. GRCh37 (hg19) VCF-style: chr9-117187272-T-C.
Other names: c.50A>G, p.Asn17Ser (NM_001083885.3); c.1199A>G, p.Asn400Ser (NM_001173425.2); c.146A>G, p.Asn49Ser (NM_001346890.1); short protein forms N17S, N400S, N49S.
Identifiers: ClinVar variation 1352379 (VCV001352379.8), dbSNP rs2132385900, ClinGen allele CA374609378.

ClinVar aggregate classification (germline): Uncertain significance (1 of 4 stars; one submission).

Submission:

Labcorp Genetics (formerly Invitae), Labcorp
Classification: Uncertain significance. Last evaluated: 2021-05-08. Review status: criteria provided, single submitter. Criteria: Invitae Variant Classification Sherloc (09022015). Collection method: clinical testing. Allele origin: germline.
Comment: In summary, the available evidence is currently insufficient to determine the role of this variant in disease. Therefore, it has been classified as a Variant of Uncertain Significance. Algorithms developed to predict the effect of missense changes on protein structure and function output the following: SIFT: "Tolerated"; PolyPhen-2: "Benign"; Align-GVGD: "Class C0". The serine amino acid residue is found in multiple mammalian species, suggesting that this missense change does not adversely affect protein function. These predictions have not been confirmed by published functional studies and their clinical significance is uncertain. This variant has not been reported in the literature in individuals with WHRN-related conditions. This variant is not present in population databases (ExAC no frequency). This sequence change replaces asparagine with serine at codon 400 of the WHRN protein (p.Asn400Ser). The asparagine residue is moderately conserved and there is a small physicochemical difference between asparagine and serine.